The following is an entry in ClinVar:

ClinVar aggregate classification (germline): Uncertain significance (1 of 4 stars; one submission).

Conditions:
Episodic ataxia type 2 (EA2). Also called: ATAXIA, EPISODIC, WITH NYSTAGMUS; ATAXIA, FAMILIAL PAROXYSMAL; ACETAZOLAMIDE-RESPONSIVE HEREDITARY PAROXYSMAL CEREBELLAR ATAXIA; CEREBELLAR ATAXIA, PAROXYSMAL, ACETAZOLAMIDE-RESPONSIVE; CEREBELLOPATHY, HEREDITARY PAROXYSMAL; EPISODIC ATAXIA, NYSTAGMUS-ASSOCIATED. Identifiers: Orphanet 97, MedGen C1720416, MONDO:0007163, OMIM 108500.
Developmental and epileptic encephalopathy, 42 (DEE42A). Also called: Epileptic encephalopathy, early infantile, 42; DEVELOPMENTAL AND EPILEPTIC ENCEPHALOPATHY 42A; EPILEPTIC ENCEPHALOPATHY, EARLY INFANTILE, 42A. Identifiers: MedGen C4310716, MONDO:0014917, OMIM 617106.

gnomAD v4.1: 5 of 1,594,312 alleles (0.00031%); highest among the groups gnomAD compares: Non-Finnish European, 0.00042%; no homozygotes.

Submission:

Labcorp Genetics (formerly Invitae), Labcorp
Classification: Uncertain significance for Developmental and epileptic encephalopathy, 42; Episodic ataxia type 2. Last evaluated: 2025-01-12. Review status: criteria provided, single submitter. Criteria: Invitae Variant Classification Sherloc (09022015). Collection method: clinical testing. Allele origin: germline.
Comment: This sequence change replaces arginine, which is basic and polar, with glycine, which is neutral and non-polar, at codon 907 of the CACNA1A protein (p.Arg907Gly). This variant is not present in population databases (gnomAD no frequency). This variant has not been reported in the literature in individuals affected with CACNA1A-related conditions. Invitae Evidence Modeling of protein sequence and biophysical properties (such as structural, functional, and spatial information, amino acid conservation, physicochemical variation, residue mobility, and thermodynamic stability) indicates that this missense variant is not expected to disrupt CACNA1A protein function with a negative predictive value of 95%. In summary, the available evidence is currently insufficient to determine the role of this variant in disease. Therefore, it has been classified as a Variant of Uncertain Significance.

NM_001127222.2(CACNA1A):c.2716C>G (p.Arg906Gly)

Gene: CACNA1A (calcium voltage-gated channel subunit alpha1 A; minus strand). Cytogenetic location: 19p13.13.
Variant type: single nucleotide variant.
Coding change: c.2716C>G on transcript NM_001127222.2 (MANE Select); coding-DNA position 2716, C replaced by G.
Protein change: p.Arg906Gly; replaces arginine 906 with glycine.
Molecular consequence: missense variant.
Genome position (GRCh38, 1-based): chr19:13,298,917, G>C on the plus strand (C>G on the coding strand, the complement: CACNA1A is on the minus strand). VCF-style: chr19-13298917-G-C. GRCh37 (hg19) VCF-style: chr19-13409731-G-C.
Other names: c.2728C>G, p.Arg910Gly (NM_000068.4, NM_023035.3); c.2719C>G, p.Arg907Gly (NM_001127221.2, NM_001174080.2); short protein forms R906G, R907G, R910G.
Identifiers: ClinVar variation 3763768 (VCV003763768.2).